The following is an entry in ClinVar:

ClinVar aggregate classification (germline): Uncertain significance. Review status: criteria provided, multiple submitters, no conflicts (2 of 4 stars). 8 submissions from 8 submitters: Uncertain significance (8). Last evaluated 2026-03-26.

Conditions:
Myopathy, myosin storage, autosomal recessive (CMYO7B). Also called: CONGENITAL MYOPATHY 7B, MYOSIN STORAGE, AUTOSOMAL RECESSIVE. Identifiers: Orphanet 636970, MedGen C1850709, MONDO:0009708, OMIM 255160.
Myosin storage myopathy (CMYO7A). Also called: Scapuloperoneal myopathy, MYH7-related; SCAPULOPERONEAL MUSCULAR DYSTROPHY; SCAPULOPERONEAL SYNDROME, MYOPATHIC TYPE; MYH7-related late-onset scapuloperoneal muscular dystrophy; Congenital myopathy 7A, myosin storage, autosomal dominant; MYOPATHY, HYALINE BODY, AUTOSOMAL DOMINANT. Identifiers: Orphanet 437572, Orphanet 636965, MedGen C1842160, MONDO:0008409, OMIM 608358.
Congenital myopathy with fiber type disproportion. Also called: Congenital fiber-type disproportion myopathy; Congenital fiber-type disproportion. Identifiers: Orphanet 2020, MedGen C0546264, MONDO:0009711. Inheritance: all.
Hypertrophic cardiomyopathy 1 (CMH1). Also called: Familial hypertrophic cardiomyopathy 1; MYH7-Related Familial Hypertrophic Cardiomyopathy. Identifiers: MedGen C3495498, MONDO:0008647, OMIM 192600.
Dilated cardiomyopathy 1S (CMD1S). Identifiers: Orphanet 154, Orphanet 54260, MedGen C1834481, MONDO:0013262, OMIM 613426.
MYH7-related skeletal myopathy. Also called: Myopathy, distal, 1; MYOPATHY, DISTAL, EARLY-ONSET, AUTOSOMAL DOMINANT; MYOPATHY, LATE DISTAL HEREDITARY; Laing distal myopathy; Laing early-onset distal myopathy. Identifiers: Orphanet 59135, MedGen C4552004, MONDO:0008050, OMIM 160500.
MYH7-related disorder. Also called: MYH7-related condition; MYH7-related disease; MYH7-related disorders.
Cardiovascular phenotype. Identifiers: MedGen CN230736.
Cardiomyopathy (CMYO). Also called: Cardiomyopathies. Identifiers: Orphanet 167848, MedGen C0878544, MONDO:0004994, HP:0001638. Inheritance: Various modes of inheritance.
Hypertrophic cardiomyopathy. Also called: HYPERTROPHIC MYOCARDIOPATHY. Identifiers: Orphanet 217569, MedGen C0007194, MeSH D002312, MONDO:0005045, HP:0001639.

Allele frequency attached by ClinVar (database versions not stated): gnomAD exomes 0.00001 and 0.00002.
gnomAD v4.1: 35 of 1,605,040 alleles (0.0022%); highest among the groups gnomAD compares: Non-Finnish European, 0.0029%; no homozygotes.

Submissions (8):

PreventionGenetics, part of Exact Sciences
Classification: Uncertain significance for MYH7-related condition. Last evaluated: 2026-03-26. Review status: criteria provided, single submitter. Criteria: ACMG Guidelines, 2015. Collection method: clinical testing. Allele origin: germline.
Comment: The MYH7 c.3734T>A variant is predicted to result in the amino acid substitution p.Leu1245Gln. This variant has been reported in individual(s) with dilated cardiomyopathy, including one individual who was also heterozygous for a truncating loss of function variant in TTN, which may represent a more likely genetic explanation for disease (Table S1B, Walsh et al. 2017. PubMed ID: 27532257; Table S9, McGurk et al. 2023. PubMed ID: 37652022; Table S1, Pugh et al. 2014. PubMed ID: 24503780). This variant has also been reported in the heterozygous state in an individual with mitral valve prolapse, arrhythmia, syncope, and a positive family history of sudden cardiac death (Lee et al. 2020. PubMed ID: 33376841). This variant is reported in 0.0018% of alleles in individuals of European (non-Finnish) descent in gnomAD. At this time, the clinical significance of this variant is uncertain due to the absence of conclusive functional and genetic evidence.

Labcorp Genetics (formerly Invitae), Labcorp
Classification: Uncertain significance for Hypertrophic cardiomyopathy. Last evaluated: 2025-12-27. Review status: criteria provided, single submitter. Criteria: Invitae Variant Classification Sherloc (09022015). Collection method: clinical testing. Allele origin: germline.
Comment: This sequence change replaces leucine, which is neutral and non-polar, with glutamine, which is neutral and polar, at codon 1245 of the MYH7 protein (p.Leu1245Gln). This variant is present in population databases (rs397516192, gnomAD 0.002%). This missense change has been observed in individual(s) with dilated cardiomyopathy (DCM) (PMID: 24503780, 27532257). ClinVar contains an entry for this variant (Variation ID: 42971). Invitae Evidence Modeling of protein sequence and biophysical properties (such as structural, functional, and spatial information, amino acid conservation, physicochemical variation, residue mobility, and thermodynamic stability) indicates that this missense variant is expected to disrupt MYH7 protein function with a positive predictive value of 95%. In summary, the available evidence is currently insufficient to determine the role of this variant in disease. Therefore, it has been classified as a Variant of Uncertain Significance.

Color Diagnostics, LLC DBA Color Health
Classification: Uncertain significance for Cardiomyopathy. Last evaluated: 2025-04-14. Review status: criteria provided, single submitter. Criteria: ACMG Guidelines, 2015. Collection method: clinical testing. Allele origin: germline.
Comment: This missense variant replaces leucine with glutamine at codon 1245 of the MYH7 protein. Computational prediction tool is inconclusive regarding the impact of this variant on protein structure and function. To our knowledge, functional studies have not been reported for this variant. This variant has been reported in an individual affected with dilated cardiomyopathy (PMID: 24503780, 27532257). This variant has been identified in 2/251276 chromosomes in the general population by the Genome Aggregation Database (gnomAD). The available evidence is insufficient to determine the role of this variant in disease conclusively. Therefore, this variant is classified as a Variant of Uncertain Significance.

All of Us Research Program, National Institutes of Health
Classification: Uncertain significance for Cardiomyopathy. Last evaluated: 2024-05-09. Review status: criteria provided, single submitter. Criteria: ACMG Guidelines, 2015. Collection method: clinical testing. Allele origin: germline. Inheritance: Autosomal dominant inheritance. Observed: 7 variant alleles, 7 heterozygotes.
Comment: This missense variant replaces leucine with glutamine at codon 1245 of the MYH7 protein. Computational prediction is inconclusive regarding the impact of this variant on protein structure and function (internally defined REVEL score threshold 0.5 < inconclusive < 0.7, PMID: 27666373). To our knowledge, functional studies have not been reported for this variant. This variant has been reported in an individual affected with dilated cardiomyopathy (PMID: 24503780, 27532257). This variant has been identified in 2/251276 chromosomes in the general population by the Genome Aggregation Database (gnomAD). The available evidence is insufficient to determine the role of this variant in disease conclusively. Therefore, this variant is classified as a Variant of Uncertain Significance.

This study involves interpretation of variants in research participants for the purpose of population health screening. Participant phenotype was not available at the time of variant classification. Additional details can be found in publication PMID: 35346344, PMCID: PMC8962531

Ambry Genetics
Classification: Uncertain significance for Cardiovascular phenotype. Last evaluated: 2023-09-11. Review status: criteria provided, single submitter. Criteria: Ambry General Variant Classification Scheme_2022. Collection method: clinical testing. Allele origin: germline.
Comment: The p.L1245Q variant (also known as c.3734T>A), located in coding exon 26 of the MYH7 gene, results from a T to A substitution at nucleotide position 3734. The leucine at codon 1245 is replaced by glutamine, an amino acid with dissimilar properties. This alteration was identified in one patient with dilated cardiomyopathy (DCM) in a large study of pathogenicity of Mendelian variants in cardiomyopathy patients, but clinical details are limited (Walsh R et al. Genet Med, 2017 Feb;19:192-203). This alteration has also been reported in exome and biobank cohorts (Homburger JR et al. Proc Natl Acad Sci U S A, 2016 Jun;113:6701-6; Park J et al. Hum Mol Genet, 2022 Mar;31:827-837). This amino acid position is highly conserved in available vertebrate species. In addition, the in silico prediction for this alteration is inconclusive. Since supporting evidence is limited at this time, the clinical significance of this alteration remains unclear.

Fulgent Genetics
Classification: Uncertain significance for MYH7-related skeletal myopathy; Myosin storage myopathy; Hypertrophic cardiomyopathy 1; Myopathy, myosin storage, autosomal recessive; Congenital myopathy 4A, autosomal dominant; Dilated cardiomyopathy 1S. Last evaluated: 2021-09-15. Review status: criteria provided, single submitter. Criteria: ACMG Guidelines, 2015. Collection method: clinical testing. Allele origin: unknown.

Revvity Omics, Revvity
Classification: Uncertain significance. Last evaluated: 2020-10-08. Review status: criteria provided, single submitter. Criteria: ACMG Guidelines, 2015. Collection method: clinical testing. Allele origin: germline.

Laboratory for Molecular Medicine, Mass General Brigham Personalized Medicine
Classification: Uncertain significance. Last evaluated: 2014-01-19. Review status: criteria provided, single submitter. Criteria: LMM Criteria. Collection method: clinical testing. Allele origin: germline. Observed: 1 variant allele.
Comment: proposed classification - variant undergoing re-assessment, contact laboratory

Literature cited by the submitters: PubMed 24503780 (cited by 3 submitters); PubMed 27532257 (cited by 4 submitters); PubMed 27247418 (cited by Ambry Genetics); PubMed 34542152 (cited by Ambry Genetics).

NM_000257.4(MYH7):c.3734T>A (p.Leu1245Gln)

Gene: MYH7 (myosin heavy chain 7; minus strand). Cytogenetic location: 14q11.2.
Variant type: single nucleotide variant.
Coding change: c.3734T>A on transcript NM_000257.4 (MANE Select); coding-DNA position 3734, T replaced by A.
Protein change: p.Leu1245Gln; replaces leucine 1245 with glutamine.
Molecular consequence: missense variant.
Genome position (GRCh38, 1-based): chr14:23,419,602, A>T on the plus strand (T>A on the coding strand, the complement: MYH7 is on the minus strand). VCF-style: chr14-23419602-A-T. GRCh37 (hg19) VCF-style: chr14-23888811-A-T.
Other names: short protein forms L1245Q.
Identifiers: ClinVar variation 42971 (VCV000042971.21), dbSNP rs397516192, ClinGen allele CA014012.